The following is an entry in ClinVar:

ClinVar aggregate classification (germline): Uncertain significance. Review status: criteria provided, multiple submitters, no conflicts (2 of 4 stars). 2 submissions from 2 submitters: Uncertain significance (2). Last evaluated 2025-08-23.

Conditions:
Inborn genetic diseases. Identifiers: MedGen C0950123, MeSH D030342.
Acute myeloid leukemia (AML). Also called: Leukemia, acute myeloid, somatic; Leukemia, acute myelogenous, somatic; Acute myeloid leukemia, adult; AML adult; Acute non-lymphocytic leukemia; Acute granulocytic leukemia. Identifiers: Orphanet 519, MedGen C0023467, MeSH D015470, MONDO:0018874, OMIM 601626, HP:0004808. Disease mechanism: Constitutively activated FLT3.

Submissions (2):

Ambry Genetics
Classification: Uncertain significance for Inborn genetic diseases. Last evaluated: 2025-08-23. Review status: criteria provided, single submitter. Criteria: Ambry Variant Classification Scheme 2023. Collection method: clinical testing. Allele origin: germline.
Comment: The p.F73C variant (also known as c.218T>G), located in coding exon 1 of the CEBPA gene, results from a T to G substitution at nucleotide position 218. The phenylalanine at codon 73 is replaced by cysteine, an amino acid with highly dissimilar properties. This amino acid position is conserved. In addition, this alteration is predicted to be tolerated by in silico analysis. Based on the available evidence, the clinical significance of this variant remains unclear.

Labcorp Genetics (formerly Invitae), Labcorp
Classification: Uncertain significance for Acute myeloid leukemia. Last evaluated: 2019-06-01. Review status: criteria provided, single submitter. Criteria: Invitae Variant Classification Sherloc (09022015). Collection method: clinical testing. Allele origin: germline.
Comment: In summary, the available evidence is currently insufficient to determine the role of this variant in disease. Therefore, it has been classified as a Variant of Uncertain Significance. Algorithms developed to predict the effect of missense changes on protein structure and function do not agree on the potential impact of this missense change (SIFT: "Tolerated"; PolyPhen-2: "Probably Damaging"; Align-GVGD: "Class C0"). This variant has not been reported in the literature in individuals with CEBPA-related disease. While this variant is not present in population databases, the frequency information is unreliable, as metrics indicate poor data quality at this position in the ExAC database. This sequence change replaces phenylalanine with cysteine at codon 73 of the CEBPA protein (p.Phe73Cys). The phenylalanine residue is moderately conserved and there is a large physicochemical difference between phenylalanine and cysteine.

NM_004364.5(CEBPA):c.218T>G (p.Phe73Cys)

Gene: CEBPA (CCAAT enhancer binding protein alpha; minus strand). Cytogenetic location: 19q13.11.
Variant type: single nucleotide variant.
Coding change: c.218T>G on transcript NM_004364.5 (MANE Select); coding-DNA position 218, T replaced by G.
Protein change: p.Phe73Cys; replaces phenylalanine 73 with cysteine.
Molecular consequence: missense variant. On other transcripts: 5 prime UTR variant (1).
Genome position (GRCh38, 1-based): chr19:33,302,197, A>C on the plus strand (T>G on the coding strand, the complement: CEBPA is on the minus strand). VCF-style: chr19-33302197-A-C. GRCh37 (hg19) VCF-style: chr19-33793103-A-C.
Other names: c.-140T>G (NM_001285829.2); c.323T>G, p.Phe108Cys (NM_001287424.2); c.176T>G, p.Phe59Cys (NM_001287435.2); c.218T>G (NM_004364.3); short protein forms F73C, F108C, F59C.
Identifiers: ClinVar variation 456675 (VCV000456675.12), dbSNP rs1555742258, ClinGen allele CA405275423.